The following is an entry in ClinVar:

NM_000321.3(RB1):c.503C>T (p.Thr168Ile)

Gene: RB1 (RB transcriptional corepressor 1; plus strand). Cytogenetic location: 13q14.2.
Variant type: single nucleotide variant.
Coding change: c.503C>T on transcript NM_000321.3 (MANE Select); coding-DNA position 503, C replaced by T.
Protein change: p.Thr168Ile; replaces threonine 168 with isoleucine.
Molecular consequence: missense variant.
Genome position (GRCh38, 1-based): chr13:48,347,827, C>T. VCF-style: chr13-48347827-C-T. GRCh37 (hg19) VCF-style: chr13-48921963-C-T.
Other names: c.503C>T, p.Thr168Ile (NM_001407165.1, NM_001407166.1); short protein forms T168I.
Identifiers: ClinVar variation 2450509 (VCV002450509.3), dbSNP rs2138091530, ClinGen allele CA388156782.
Genomic context (GRCh38, chr13:48,347,827, plus strand): 5'-TACTATGACTTCTAAATTACGAAAAAATGTTAAAAAGTCATAATGTTTTTCTTTTCAGGA[C>T]ATGTGAACTTATATATTTGACACAACCCAGCAGTTCGTAAGTAGTTCACAGAATGTTATT-3'
Protein context (NP_000312.2, residues 158-178): LFALFSKLER[Thr168Ile]CELIYLTQPS

ClinVar aggregate classification (germline): Uncertain significance. Review status: criteria provided, multiple submitters, no conflicts (2 of 4 stars). 2 submissions from 2 submitters: Uncertain significance (2). Last evaluated 2025-02-18.

Conditions:
Retinoblastoma (RB1). Also called: RETINOBLASTOMA, SOMATIC. Identifiers: Orphanet 790, MedGen C0035335, MeSH D012175, MONDO:0008380, OMIM 180200, HP:0009919. Disease mechanism: loss of function. Inheritance: Both sporadic and heritable forms are tested..
Hereditary cancer-predisposing syndrome. Also called: Neoplastic Syndromes, Hereditary; Tumor predisposition; Hereditary neoplastic syndrome; Hereditary Cancer Syndrome. Identifiers: Orphanet 140162, MedGen C0027672, MeSH D009386, MONDO:0015356.

Allele frequency attached by ClinVar (database versions not stated): gnomAD exomes below 0.00001.

Submissions (2):

Labcorp Genetics (formerly Invitae), Labcorp
Classification: Uncertain significance for Retinoblastoma. Last evaluated: 2025-02-18. Review status: criteria provided, single submitter. Criteria: Invitae Variant Classification Sherloc (09022015). Collection method: clinical testing. Allele origin: germline.
Comment: This sequence change replaces threonine, which is neutral and polar, with isoleucine, which is neutral and non-polar, at codon 168 of the RB1 protein (p.Thr168Ile). This variant is not present in population databases (gnomAD no frequency). This variant has not been reported in the literature in individuals affected with RB1-related conditions. ClinVar contains an entry for this variant (Variation ID: 2450509). An algorithm developed to predict the effect of missense changes on protein structure and function (PolyPhen-2) suggests that this variant is likely to be disruptive. In summary, the available evidence is currently insufficient to determine the role of this variant in disease. Therefore, it has been classified as a Variant of Uncertain Significance.

Ambry Genetics
Classification: Uncertain significance for Hereditary cancer-predisposing syndrome. Last evaluated: 2023-01-05. Review status: criteria provided, single submitter. Criteria: Ambry Variant Classification Scheme 2023. Collection method: clinical testing. Allele origin: germline.
Comment: The p.T168I variant (also known as c.503C>T), located in coding exon 5 of the RB1 gene, results from a C to T substitution at nucleotide position 503. The threonine at codon 168 is replaced by isoleucine, an amino acid with similar properties. This amino acid position is conserved. In addition, this alteration is predicted to be tolerated by in silico analysis. Since supporting evidence is limited at this time, the clinical significance of this alteration remains unclear.